The following is an entry in ClinVar:

NM_021098.3(CACNA1H):c.65C>G (p.Pro22Arg)

Gene: CACNA1H (calcium voltage-gated channel subunit alpha1 H; plus strand). Cytogenetic location: 16p13.3.
Variant type: single nucleotide variant.
Coding change: c.65C>G on transcript NM_021098.3 (MANE Select); coding-DNA position 65, C replaced by G.
Protein change: p.Pro22Arg; replaces proline 22 with arginine.
Molecular consequence: missense variant.
Genome position (GRCh38, 1-based): chr16:1,153,802, C>G. VCF-style: chr16-1153802-C-G. GRCh37 (hg19) VCF-style: chr16-1203802-C-G.
Other names: c.65C>G, p.Pro22Arg (NM_001005407.2); short protein forms P22R.
Identifiers: ClinVar variation 2150390 (VCV002150390.4), dbSNP rs1018186915, ClinGen allele CA394145408.

ClinVar aggregate classification (germline): Uncertain significance (1 of 4 stars; one submission).

Conditions:
Idiopathic generalized epilepsy. Also called: EIG; Generalised epilepsy. Identifiers: MedGen C0270850, MONDO:0005579, OMIM 600669.
Hyperaldosteronism, familial, type IV (HALD4). Also called: FH IV; ALDOSTERONISM, PRIMARY, AND HYPERTENSION. Identifiers: Orphanet 642671, MedGen C4310756, MONDO:0014875, OMIM 617027.

Allele frequency attached by ClinVar (database versions not stated): gnomAD exomes below 0.00001.
gnomAD v4.1: 3 of 1,260,516 alleles (0.00024%); highest among the groups gnomAD compares: Non-Finnish European, 0.0003%; no homozygotes.

Submission:

Labcorp Genetics (formerly Invitae), Labcorp
Classification: Uncertain significance for Idiopathic generalized epilepsy; Hyperaldosteronism, familial, type IV. Last evaluated: 2024-03-11. Review status: criteria provided, single submitter. Criteria: Invitae Variant Classification Sherloc (09022015). Collection method: clinical testing. Allele origin: germline.
Comment: This sequence change replaces proline, which is neutral and non-polar, with arginine, which is basic and polar, at codon 22 of the CACNA1H protein (p.Pro22Arg). This variant is not present in population databases (gnomAD no frequency). This variant has not been reported in the literature in individuals affected with CACNA1H-related conditions. ClinVar contains an entry for this variant (Variation ID: 2150390). Advanced modeling of protein sequence and biophysical properties (such as structural, functional, and spatial information, amino acid conservation, physicochemical variation, residue mobility, and thermodynamic stability) performed at Invitae indicates that this missense variant is not expected to disrupt CACNA1H protein function with a negative predictive value of 95%. In summary, the available evidence is currently insufficient to determine the role of this variant in disease. Therefore, it has been classified as a Variant of Uncertain Significance.